The following is an entry in ClinVar:

ClinVar aggregate classification (germline): Uncertain significance. Review status: criteria provided, multiple submitters, no conflicts (2 of 4 stars). 4 submissions from 4 submitters: Uncertain significance (4). Last evaluated 2025-10-15.

Conditions:
Inborn genetic diseases. Identifiers: MedGen C0950123, MeSH D030342.

Allele frequency attached by ClinVar (database versions not stated): gnomAD 0.00001; gnomAD exomes 0.00001; TOPMed 0.00002; ExAC 0.00003.
gnomAD v4.1: 19 of 1,613,834 alleles (0.0012%); highest among the groups gnomAD compares: East Asian, 0.027%; no homozygotes.

Submissions (4):

Labcorp Genetics (formerly Invitae), Labcorp
Classification: Uncertain significance. Last evaluated: 2025-10-15. Review status: criteria provided, single submitter. Criteria: Invitae Variant Classification Sherloc (09022015). Collection method: clinical testing. Allele origin: germline.
Comment: This sequence change replaces proline, which is neutral and non-polar, with serine, which is neutral and polar, at codon 195 of the AP3D1 protein (p.Pro195Ser). This variant is present in population databases (rs761590318, gnomAD 0.06%). This variant has not been reported in the literature in individuals affected with AP3D1-related conditions. ClinVar contains an entry for this variant (Variation ID: 2466237). An algorithm developed to predict the effect of missense changes on protein structure and function (PolyPhen-2) suggests that this variant is likely to be tolerated. In summary, the available evidence is currently insufficient to determine the role of this variant in disease. Therefore, it has been classified as a Variant of Uncertain Significance.

Mayo Clinic Laboratories, Mayo Clinic
Classification: Uncertain significance. Last evaluated: 2023-10-11. Review status: criteria provided, single submitter. Criteria: ACMG Guidelines, 2015. Collection method: clinical testing. Allele origin: germline. Observed: 1 variant allele.
Comment: PM1_supporting

Ambry Genetics
Classification: Uncertain significance for Inborn genetic diseases. Last evaluated: 2023-02-28. Review status: criteria provided, single submitter. Criteria: Ambry Variant Classification Scheme 2023. Collection method: clinical testing. Allele origin: germline.

Blueprint Genetics
Classification: Uncertain significance. Last evaluated: 2022-10-03. Review status: criteria provided, single submitter. Criteria: ACMG Guidelines, 2015. Collection method: clinical testing. Allele origin: germline.

NM_001261826.3(AP3D1):c.583C>T (p.Pro195Ser)

Gene: AP3D1 (adaptor related protein complex 3 subunit delta 1; minus strand). Cytogenetic location: 19p13.3.
Variant type: single nucleotide variant.
Coding change: c.583C>T on transcript NM_001261826.3 (MANE Select); coding-DNA position 583, C replaced by T.
Protein change: p.Pro195Ser; replaces proline 195 with serine.
Molecular consequence: missense variant.
Genome position (GRCh38, 1-based): chr19:2,130,417, G>A on the plus strand (C>T on the coding strand, the complement: AP3D1 is on the minus strand). VCF-style: chr19-2130417-G-A. GRCh37 (hg19) VCF-style: chr19-2130416-G-A.
Other names: p.Pro195Ser; c.583C>T, p.Pro195Ser (NM_001374799.1, NM_003938.8); short protein forms P195S.
Identifiers: ClinVar variation 2466237 (VCV002466237.8), dbSNP rs761590318, ClinGen allele CA9059673.